The following is an entry in ClinVar:

ClinVar aggregate classification (germline): Conflicting classifications of pathogenicity. Review status: criteria provided, conflicting classifications (1 of 4 stars). 4 submissions from 4 submitters: Uncertain significance (3); Likely benign (1). Last evaluated 2026-04-12.

Conditions:
CACNA1D-related disorder.

Allele frequency attached by ClinVar (database versions not stated): gnomAD exomes 0.00005; ExAC 0.00007; gnomAD 0.00012 and 0.00014; ESP Exome Variant Server 0.00015; TOPMed 0.00017; 1000 Genomes Project 0.00020; 1000 Genomes Project 30x 0.00031.
gnomAD v4.1: 98 of 1,614,174 alleles (0.0061%); highest among the groups gnomAD compares: African/African-American, 0.033%; 2 homozygotes.

Submissions (4):

PreventionGenetics, part of Exact Sciences
Classification: Uncertain significance for CACNA1D-related condition. Last evaluated: 2026-04-12. Review status: criteria provided, single submitter. Criteria: ACMG Guidelines, 2015. Collection method: clinical testing. Allele origin: germline.
Comment: The CACNA1D c.1385G>A variant is predicted to result in the amino acid substitution p.Arg462Gln. This variant was reported in an individual with hypertension with aldosterone hypersecretion (Table 2, Mourtzi et al. 2022. PubMed ID: 36044182). This variant is reported in 0.032% of alleles in individuals of African descent in gnomAD. At this time, the clinical significance of this variant is uncertain due to the absence of conclusive functional and genetic evidence.

Labcorp Genetics (formerly Invitae), Labcorp
Classification: Likely benign. Last evaluated: 2026-02-03. Review status: criteria provided, single submitter. Criteria: Invitae Variant Classification Sherloc (09022015). Collection method: clinical testing. Allele origin: germline.

Blueprint Genetics
Classification: Uncertain significance. Last evaluated: 2024-11-22. Review status: criteria provided, single submitter. Criteria: ACMG Guidelines, 2015. Collection method: clinical testing. Allele origin: germline.

GeneDx
Classification: Uncertain significance. Last evaluated: 2022-10-18. Review status: criteria provided, single submitter. Criteria: GeneDx Variant Classification Process June 2021. Collection method: clinical testing. Allele origin: germline. Affected: yes.
Comment: In silico analysis supports that this missense variant has a deleterious effect on protein structure/function; Has not been previously published as pathogenic or benign to our knowledge

NM_001128840.3(CACNA1D):c.1385G>A (p.Arg462Gln)

Gene: CACNA1D (calcium voltage-gated channel subunit alpha1 D; plus strand). Cytogenetic location: 3p21.1.
Variant type: single nucleotide variant.
Coding change: c.1385G>A on transcript NM_001128840.3 (MANE Select); coding-DNA position 1385, G replaced by A.
Protein change: p.Arg462Gln; replaces arginine 462 with glutamine.
Molecular consequence: missense variant.
Genome position (GRCh38, 1-based): chr3:53,702,805, G>A. VCF-style: chr3-53702805-G-A. GRCh37 (hg19) VCF-style: chr3-53736832-G-A.
Other names: c.1385G>A, p.Arg462Gln (NM_000720.4, NM_001128839.3); c.1385G>A (NM_000720.3); short protein forms R462Q.
Identifiers: ClinVar variation 1442424 (VCV001442424.9), dbSNP rs35057005, ClinGen allele CA2453902.